The following is an entry in ClinVar:

NM_015294.6(TRIM37):c.1828A>G (p.Ser610Gly)

Gene: TRIM37 (tripartite motif containing 37; minus strand). Cytogenetic location: 17q22.
Variant type: single nucleotide variant.
Coding change: c.1828A>G on transcript NM_015294.6 (MANE Select); coding-DNA position 1828, A replaced by G.
Protein change: p.Ser610Gly; replaces serine 610 with glycine.
Molecular consequence: missense variant. On other transcripts: non-coding transcript variant (2).
Genome position (GRCh38, 1-based): chr17:59,032,016, T>C on the plus strand (A>G on the coding strand, the complement: TRIM37 is on the minus strand). VCF-style: chr17-59032016-T-C. GRCh37 (hg19) VCF-style: chr17-57109377-T-C.
Other names: c.1828A>G, p.Ser610Gly (NM_001005207.5, NM_001320988.3, NM_001320989.3 and 1 more transcripts); c.1726A>G, p.Ser576Gly (NM_001320987.3, NM_001353082.2); c.1462A>G, p.Ser488Gly (NM_001320990.3); c.1093A>G, p.Ser365Gly (NM_001353083.2); c.1366A>G, p.Ser456Gly (NM_001353085.2); c.1777A>G, p.Ser593Gly (NM_001353086.2); short protein forms S365G, S593G, S488G, S610G, S456G, S576G.
Identifiers: ClinVar variation 1471711 (VCV001471711.8), dbSNP rs2145616871, ClinGen allele CA400397251.

ClinVar aggregate classification (germline): Uncertain significance (1 of 4 stars; one submission).

Submission:

Labcorp Genetics (formerly Invitae), Labcorp
Classification: Uncertain significance. Last evaluated: 2022-02-05. Review status: criteria provided, single submitter. Criteria: Invitae Variant Classification Sherloc (09022015). Collection method: clinical testing. Allele origin: germline.
Comment: In summary, the available evidence is currently insufficient to determine the role of this variant in disease. Therefore, it has been classified as a Variant of Uncertain Significance. Algorithms developed to predict the effect of missense changes on protein structure and function are either unavailable or do not agree on the potential impact of this missense change (SIFT: "Not Available"; PolyPhen-2: "Benign"; Align-GVGD: "Not Available"). This variant has not been reported in the literature in individuals affected with TRIM37-related conditions. This variant is not present in population databases (gnomAD no frequency). This sequence change replaces serine, which is neutral and polar, with glycine, which is neutral and non-polar, at codon 610 of the TRIM37 protein (p.Ser610Gly).